The following is an entry in ClinVar:

NM_000051.4(ATM):c.2282C>T (p.Thr761Ile)

Gene: ATM (ATM serine/threonine kinase; plus strand). Cytogenetic location: 11q22.3.
Variant type: single nucleotide variant.
Coding change: c.2282C>T on transcript NM_000051.4 (MANE Select); coding-DNA position 2282, C replaced by T.
Protein change: p.Thr761Ile; replaces threonine 761 with isoleucine.
Molecular consequence: missense variant.
Genome position (GRCh38, 1-based): chr11:108,257,512, C>T. VCF-style: chr11-108257512-C-T. GRCh37 (hg19) VCF-style: chr11-108128239-C-T.
Other names: c.2282C>T, p.Thr761Ile (NM_001351834.2); short protein forms T761I.
Identifiers: ClinVar variation 4707867 (VCV004707867.1).

ClinVar aggregate classification (germline): Uncertain significance (1 of 4 stars; one submission).

Conditions:
Ataxia-telangiectasia syndrome (AT). Also called: AT, COMPLEMENTATION GROUP C; Ataxia-telangiectasia, complementation group D; Cerebello-oculocutaneous telangiectasia; Immunodeficiency with ataxia telangiectasia; LOUIS-BAR SYNDROME; Ataxia telangiectasia (A-T). Identifiers: Orphanet 100, MedGen C0004135, MONDO:0008840, OMIM 208900.

Submission:

Labcorp Genetics (formerly Invitae), Labcorp
Classification: Uncertain significance for Ataxia-telangiectasia syndrome. Last evaluated: 2025-02-04. Review status: criteria provided, single submitter. Criteria: Invitae Variant Classification Sherloc (09022015). Collection method: clinical testing. Allele origin: germline.
Comment: This sequence change replaces threonine, which is neutral and polar, with isoleucine, which is neutral and non-polar, at codon 761 of the ATM protein (p.Thr761Ile). This variant is not present in population databases (gnomAD no frequency). This variant has not been reported in the literature in individuals affected with ATM-related conditions. Invitae Evidence Modeling of protein sequence and biophysical properties (such as structural, functional, and spatial information, amino acid conservation, physicochemical variation, residue mobility, and thermodynamic stability) indicates that this missense variant is not expected to disrupt ATM protein function with a negative predictive value of 95%. In summary, the available evidence is currently insufficient to determine the role of this variant in disease. Therefore, it has been classified as a Variant of Uncertain Significance.